The following is an entry in ClinVar:

NM_001211.6(BUB1B):c.1439T>C (p.Leu480Pro)

Gene: BUB1B (BUB1 mitotic checkpoint serine/threonine kinase B; plus strand). Cytogenetic location: 15q15.1.
Variant type: single nucleotide variant.
Coding change: c.1439T>C on transcript NM_001211.6 (MANE Select); coding-DNA position 1439, T replaced by C.
Protein change: p.Leu480Pro; replaces leucine 480 with proline.
Molecular consequence: missense variant.
Genome position (GRCh38, 1-based): chr15:40,200,281, T>C. VCF-style: chr15-40200281-T-C. GRCh37 (hg19) VCF-style: chr15-40492482-T-C.
Other names: short protein forms L480P.
Identifiers: ClinVar variation 3993738 (VCV003993738.1).

ClinVar aggregate classification (germline): Uncertain significance (1 of 4 stars; one submission).

Conditions:
Inborn genetic diseases. Identifiers: MedGen C0950123, MeSH D030342.

Submission:

Ambry Genetics
Classification: Uncertain significance for Inborn genetic diseases. Last evaluated: 2025-05-31. Review status: criteria provided, single submitter. Criteria: Ambry Variant Classification Scheme 2023. Collection method: clinical testing. Allele origin: germline.
Comment: The p.L480P variant (also known as c.1439T>C), located in coding exon 11 of the BUB1B gene, results from a T to C substitution at nucleotide position 1439. The leucine at codon 480 is replaced by proline, an amino acid with similar properties. This amino acid position is conserved. In addition, this alteration is predicted to be tolerated by in silico analysis. Based on the available evidence, the clinical significance of this variant remains unclear.